The following is an entry in ClinVar:

ClinVar aggregate classification (germline): Pathogenic/Likely pathogenic. Review status: no assertion criteria provided (0 of 4 stars). 2 submissions from 2 submitters: Pathogenic (1); Likely pathogenic (1). Last evaluated 2010-07-01.

Conditions:
Meckel syndrome, type 2 (MKS2). Also called: MKS2-Related Meckel Syndrome; MECKEL-GRUBER SYNDROME, TYPE 2. Identifiers: Orphanet 564, MedGen C1864148, MONDO:0011296, OMIM 603194.

Submissions (2):

OMIM
Classification: Pathogenic for MECKEL SYNDROME, TYPE 2. Last evaluated: 2010-07-01. Review status: no assertion criteria provided. Collection method: literature only. Allele origin: germline.

Juha Muilu Group; Institute for Molecular Medicine Finland (FIMM)
Classification: Likely pathogenic for Meckel syndrome type 2. Review status: no assertion criteria provided. Collection method: not provided. Allele origin: unknown.
Comment: FinDis database variant: This variant was not found or characterized by our laboratory, data were collected from public sources: see reference
ClinVar note: Converted during submission from probable-pathogenic to Likely pathogenic.

Literature cited by the submitters: PubMed 20512146 (cited by OMIM).

NM_001173990.3(TMEM216):c.230G>C (p.Gly77Ala)

Gene: TMEM216 (transmembrane protein 216; plus strand). Cytogenetic location: 11q12.2.
Variant type: single nucleotide variant.
Coding change: c.230G>C on transcript NM_001173990.3 (MANE Select); coding-DNA position 230, G replaced by C.
Protein change: p.Gly77Ala; replaces glycine 77 with alanine.
Molecular consequence: missense variant.
Genome position (GRCh38, 1-based): chr11:61,397,774, G>C. VCF-style: chr11-61397774-G-C. GRCh37 (hg19) VCF-style: chr11-61165246-G-C.
Other names: c.230G>C, p.Gly77Ala (NM_001173991.3); c.47G>C, p.Gly16Ala (NM_001330285.2, NM_016499.6); short protein forms G77A, G16A.
Identifiers: ClinVar variation 200 (VCV000000200.3), dbSNP rs386833830, ClinGen allele CA114039.
Genomic context (GRCh38, chr11:61,397,774, plus strand): 5'-TTCCCCTGGGCCAGGAAAAGCAGACCATTTGGAGATGACTCCATGGGCTGTGTCTGACAG[G>C]TACAAAGGGAAACCTCTGCCAGCGAAAGATGCCGCTCAGTATTAGCGTGGCCTTGACCTT-3'
Protein context (NP_001167461.1, residues 67-87): LGIEVIRLFF[Gly77Ala]TKGNLCQRKM